The following is an entry in ClinVar:

NM_001256789.3(CACNA1F):c.617G>A (p.Arg206Lys)

Gene: CACNA1F (calcium voltage-gated channel subunit alpha1 F; minus strand). Cytogenetic location: Xp11.23.
Variant type: single nucleotide variant.
Coding change: c.617G>A on transcript NM_001256789.3 (MANE Select); coding-DNA position 617, G replaced by A.
Protein change: p.Arg206Lys; replaces arginine 206 with lysine.
Molecular consequence: missense variant.
Genome position (GRCh38, 1-based): chrX:49,230,514, C>T on the plus strand (G>A on the coding strand, the complement: CACNA1F is on the minus strand). VCF-style: chrX-49230514-C-T. GRCh37 (hg19) VCF-style: chrX-49086976-C-T.
Other names: c.422G>A, p.Arg141Lys (NM_001256790.3); c.617G>A, p.Arg206Lys (NM_005183.4); short protein forms R141K, R206K.
Identifiers: ClinVar variation 4808832 (VCV004808832.1).

ClinVar aggregate classification (germline): Uncertain significance (1 of 4 stars; one submission).

Submission:

Labcorp Genetics (formerly Invitae), Labcorp
Classification: Uncertain significance. Last evaluated: 2025-06-22. Review status: criteria provided, single submitter. Criteria: Invitae Variant Classification Sherloc (09022015). Collection method: clinical testing. Allele origin: germline.
Comment: This sequence change replaces arginine, which is basic and polar, with lysine, which is basic and polar, at codon 206 of the CACNA1F protein (p.Arg206Lys). The frequency data for this variant in the population databases is considered unreliable, as metrics indicate poor data quality at this position in the gnomAD database. This variant has not been reported in the literature in individuals affected with CACNA1F-related conditions. Invitae Evidence Modeling of protein sequence and biophysical properties (such as structural, functional, and spatial information, amino acid conservation, physicochemical variation, residue mobility, and thermodynamic stability) indicates that this missense variant is expected to disrupt CACNA1F protein function with a positive predictive value of 80%. In summary, the available evidence is currently insufficient to determine the role of this variant in disease. Therefore, it has been classified as a Variant of Uncertain Significance.